The following is an entry in ClinVar:

NM_020207.7(ERCC6L2):c.4274_4275del (p.Ile1425fs)

Gene: ERCC6L2 (ERCC excision repair 6 like 2; plus strand). Cytogenetic location: 9q22.32.
Variant type: Deletion.
Coding change: c.4274_4275del on transcript NM_020207.7 (MANE Select); coding-DNA positions 4274 to 4275, 2 bases deleted (TA; older notation c.4274_4275delTA).
Protein change: p.Ile1425fs; shifts the reading frame from isoleucine 1425.
Molecular consequence: frameshift variant. On other transcripts: non-coding transcript variant (1), intron variant (2).
Genome position (GRCh38, 1-based): chr9:96,012,824-96,012,825, TA deleted; deleting any 2 consecutive bases within chr9:96,012,823-96,012,825 gives the same sequence; the c. name uses the placement nearest the transcript's 3' end. VCF-style (leftmost placement, unchanged base first): chr9-96012822-GAT-G. GRCh37 (hg19) VCF-style: chr9-98775104-GAT-G.
Other names: c.3674+8123_3674+8124del (NM_001375291.1, NM_001375292.1); short protein forms I1425fs.
Identifiers: ClinVar variation 1989645 (VCV001989645.4), dbSNP rs1564304515, ClinGen allele CA589581433.
Genomic context (GRCh38, chr9:96,012,822, plus strand): 5'-GGACCTCACAAGAACGGGCATTTCAAGAAAAGAACCCCTTCTCAAATTGGAAAACAAAAA[GAT>G]AGAAAATCCAGTGCTGGAAAATACTTCTGTGATAAGCTTACTTGGTGATACCTCTATTCT-3'

ClinVar aggregate classification (germline): Uncertain significance (1 of 4 stars; one submission).

Submission:

Labcorp Genetics (formerly Invitae), Labcorp
Classification: Uncertain significance. Last evaluated: 2025-07-31. Review status: criteria provided, single submitter. Criteria: Invitae Variant Classification Sherloc (09022015). Collection method: clinical testing. Allele origin: germline.
Comment: This sequence change creates a premature translational stop signal (p.Ile1436Argfs*16) in the ERCC6L2 gene. While this is not anticipated to result in nonsense mediated decay, it is expected to disrupt the last 126 amino acid(s) of the ERCC6L2 protein. This variant is present in population databases (no rsID available, gnomAD 0.0009%). This variant has not been reported in the literature in individuals affected with ERCC6L2-related conditions. ClinVar contains an entry for this variant (Variation ID: 1989645). Experimental studies and prediction algorithms are not available or were not evaluated, and the functional significance of this variant is currently unknown. In summary, the available evidence is currently insufficient to determine the role of this variant in disease. Therefore, it has been classified as a Variant of Uncertain Significance.